The following is an entry in ClinVar:

ClinVar aggregate classification (germline): Uncertain significance (1 of 4 stars; one submission).

Conditions:
Combined immunodeficiency due to LRBA deficiency. Also called: Common variable immunodeficiency 8, with autoimmunity. Identifiers: Orphanet 445018, MedGen C3553512, MONDO:0013863, OMIM 614700.

Allele frequency attached by ClinVar (database versions not stated): ExAC 0.00001; gnomAD 0.00001; TOPMed 0.00001; gnomAD exomes 0.00002.
gnomAD v4.1: 33 of 1,613,498 alleles (0.002%); highest among the groups gnomAD compares: Non-Finnish European, 0.0027%; no homozygotes.

Submission:

Labcorp Genetics (formerly Invitae), Labcorp
Classification: Uncertain significance for Combined immunodeficiency due to LRBA deficiency. Last evaluated: 2022-09-08. Review status: criteria provided, single submitter. Criteria: Invitae Variant Classification Sherloc (09022015). Collection method: clinical testing. Allele origin: germline.
Comment: This sequence change replaces serine, which is neutral and polar, with threonine, which is neutral and polar, at codon 1084 of the LRBA protein (p.Ser1084Thr). This variant is present in population databases (rs772612416, gnomAD 0.003%). This variant has not been reported in the literature in individuals affected with LRBA-related conditions. ClinVar contains an entry for this variant (Variation ID: 1471773). Algorithms developed to predict the effect of missense changes on protein structure and function output the following: SIFT: "Tolerated"; PolyPhen-2: "Benign"; Align-GVGD: "Class C0". The threonine amino acid residue is found in multiple mammalian species, which suggests that this missense change does not adversely affect protein function. In summary, the available evidence is currently insufficient to determine the role of this variant in disease. Therefore, it has been classified as a Variant of Uncertain Significance.

NM_001364905.1(LRBA):c.3250T>A (p.Ser1084Thr)

Gene: LRBA (LPS responsive beige-like anchor protein; minus strand). Cytogenetic location: 4q31.3.
Variant type: single nucleotide variant.
Coding change: c.3250T>A on transcript NM_001364905.1 (MANE Select); coding-DNA position 3250, T replaced by A.
Protein change: p.Ser1084Thr; replaces serine 1084 with threonine.
Molecular consequence: missense variant.
Genome position (GRCh38, 1-based): chr4:150,852,460, A>T on the plus strand (T>A on the coding strand, the complement: LRBA is on the minus strand). VCF-style: chr4-150852460-A-T. GRCh37 (hg19) VCF-style: chr4-151773612-A-T.
Other names: c.3250T>A, p.Ser1084Thr (NM_001199282.3, NM_001367550.1, NM_006726.5); short protein forms S1084T.
Identifiers: ClinVar variation 1471773 (VCV001471773.5), dbSNP rs772612416, ClinGen allele CA3103075.
Genomic context (GRCh38, chr4:150,852,460, plus strand): 5'-CCTCTACTATAGATTTATCCAAGAATTCTGGCATCTCTGAGGCATCCTCTTCTGAAGGAG[A>T]ACTTATAGAAGCAGTTACTTCACTGACAGTCATTGAATCTTTGCCAGTTGTTATAAAAGA-3'
Protein context (NP_001351834.1, residues 1074-1094): TVSEVTASIS[Ser1084Thr]PSEEDASEMP